The following is an entry in ClinVar:

ClinVar aggregate classification (germline): Uncertain significance (1 of 4 stars; one submission).

Conditions:
Retinoblastoma (RB1). Also called: RETINOBLASTOMA, SOMATIC. Identifiers: Orphanet 790, MedGen C0035335, MeSH D012175, MONDO:0008380, OMIM 180200, HP:0009919. Disease mechanism: loss of function. Inheritance: Both sporadic and heritable forms are tested..

Submission:

Labcorp Genetics (formerly Invitae), Labcorp
Classification: Uncertain significance for Retinoblastoma. Last evaluated: 2020-05-21. Review status: criteria provided, single submitter. Criteria: Invitae Variant Classification Sherloc (09022015). Collection method: clinical testing. Allele origin: germline.
Comment: In summary, the available evidence is currently insufficient to determine the role of this variant in disease. Therefore, it has been classified as a Variant of Uncertain Significance. Experimental studies and prediction algorithms are not available or were not evaluated, and the functional significance of this variant is currently unknown. This variant has not been reported in the literature in individuals with RB1-related conditions. This variant is an in-frame deletion of the genomic region encompassing exon(s) 5 of the RB1 gene. It preserves the integrity of the reading frame.

NC_000013.10:g.(?_48921946)_(48922009_?)del

Gene: RB1 (RB transcriptional corepressor 1; plus strand). Cytogenetic location: 13q14.2.
Variant type: Deletion.
Identifiers: ClinVar variation 1019424 (VCV001019424.6).